The following is an entry in ClinVar:

ClinVar aggregate classification (germline): Conflicting classifications of pathogenicity. Review status: criteria provided, conflicting classifications (1 of 4 stars). 3 submissions from 3 submitters: Uncertain significance (1); Likely benign (2). Last evaluated 2025-08-24.

Conditions:
Inborn genetic diseases. Identifiers: MedGen C0950123, MeSH D030342.
Greig cephalopolysyndactyly syndrome (GCPS). Also called: Greig syndrome; GLI3-Related Greig Cephalopolysyndactyly Syndrome; POLYSYNDACTYLY WITH PECULIAR SKULL SHAPE. Identifiers: Orphanet 380, MedGen C0265306, MONDO:0008287, OMIM 175700.
Pallister-Hall syndrome (PHS). Also called: GLI3-Related Pallister-Hall Syndrome; HYPOTHALAMIC HAMARTOBLASTOMA, HYPOPITUITARISM, IMPERFORATE ANUS, AND POSTAXIAL POLYDACTYLY. Identifiers: Orphanet 672, MedGen C0265220, MONDO:0007804, OMIM 146510.

Allele frequency attached by ClinVar (database versions not stated): ExAC 0.00003; gnomAD 0.00006; TOPMed 0.00006; ESP Exome Variant Server 0.00008; gnomAD exomes 0.00010; 1000 Genomes Project 0.00020; 1000 Genomes Project 30x 0.00031.
gnomAD v4.1: 163 of 1,614,110 alleles (0.01%); highest among the groups gnomAD compares: Non-Finnish European, 0.013%; no homozygotes.

Submissions (3):

Labcorp Genetics (formerly Invitae), Labcorp
Classification: Likely benign for Pallister-Hall syndrome; Greig cephalopolysyndactyly syndrome. Last evaluated: 2025-08-24. Review status: criteria provided, single submitter. Criteria: Invitae Variant Classification Sherloc (09022015). Collection method: clinical testing. Allele origin: germline.

CeGaT Center for Human Genetics Tuebingen
Classification: Likely benign. Last evaluated: 2024-03-01. Review status: criteria provided, single submitter. Criteria: CeGaT Center For Human Genetics Tuebingen Variant Classification Criteria Version 2. Collection method: clinical testing. Allele origin: germline. Affected: yes. Observed: 1 variant allele.
Comment: GLI3: BP4, BS2

Ambry Genetics
Classification: Uncertain significance for Inborn genetic diseases. Last evaluated: 2021-10-12. Review status: criteria provided, single submitter. Criteria: Ambry Variant Classification Scheme 2023. Collection method: clinical testing. Allele origin: germline.

NM_000168.6(GLI3):c.2329C>T (p.His777Tyr)

Gene: GLI3 (GLI family zinc finger 3; minus strand). Cytogenetic location: 7p14.1.
Variant type: single nucleotide variant.
Coding change: c.2329C>T on transcript NM_000168.6 (MANE Select); coding-DNA position 2329, C replaced by T.
Protein change: p.His777Tyr; replaces histidine 777 with tyrosine.
Molecular consequence: missense variant.
Genome position (GRCh38, 1-based): chr7:41,967,698, G>A on the plus strand (C>T on the coding strand, the complement: GLI3 is on the minus strand). VCF-style: chr7-41967698-G-A. GRCh37 (hg19) VCF-style: chr7-42007296-G-A.
Other names: short protein forms H777Y.
Identifiers: ClinVar variation 2050850 (VCV002050850.26), dbSNP rs201321024, ClinGen allele CA4230640.